The following is an entry in ClinVar:

ClinVar aggregate classification (germline): Uncertain significance. Review status: criteria provided, multiple submitters, no conflicts (2 of 4 stars). 3 submissions from 3 submitters: Uncertain significance (2). 1 of the submissions does not count toward it. Last evaluated 2025-07-11.

Conditions:
Mucolipidosis type II. Also called: Mucolipidosis II Alpha/Beta; ML II ALPHA/BETA; Mucolipidosis 2; ML 2; Inclusion cell disease; Leroy Disease. Identifiers: Orphanet 576, MedGen C2673377, MONDO:0009650, OMIM 252500.
Pseudo-Hurler polydystrophy. Also called: Type III Mucolipidosis; MUCOLIPIDOSIS IIIA; ML III; ML III ALPHA/BETA; ML IIIA; Mucolipidosis III Alpha/Beta. Identifiers: Orphanet 423461, Orphanet 577, MedGen C0033788, MONDO:0018931, OMIM 252600.

Allele frequency attached by ClinVar (database versions not stated): ExAC 0.00001; gnomAD 0.00001; TOPMed 0.00003; gnomAD exomes 0.00004 and 0.00001.

Submissions (3):

Dasa
Classification: Uncertain significance. Last evaluated: 2025-07-11. Review status: criteria provided, single submitter. Criteria: DASA Assertion Criteria. Collection method: clinical testing. Allele origin: germline.
Comment: NM_024312.5(GNPTAB):c.1363G>T (p.Ala455Ser) is a missense variant that results in the substitution of alanine with serine. The affected residue or protein region has prior evidence supporting clinical relevance. This variant is rare in population databases. Computational prediction algorithms are consistent with a deleterious effect. The currently available literature and clinical evidence are not sufficient to establish a definitive association between this variant and the reported condition. Therefore, this variant is classified as a variant of uncertain significance.

Women's Health and Genetics/Laboratory Corporation of America, LabCorp
Classification: Uncertain significance. Last evaluated: 2022-06-15. Review status: criteria provided, single submitter. Criteria: LabCorp Variant Classification Summary - May 2015. Collection method: clinical testing. Allele origin: germline.
Comment: Variant summary: GNPTAB c.1363G>T (p.Ala455Ser) results in a conservative amino acid change located in the Notch domain (IPR000800) of the encoded protein sequence. Three of five in-silico tools predict a damaging effect of the variant on protein function. The variant allele was found at a frequency of 8e-06 in 251452 control chromosomes (gnomAD). c.1363G>T has been reported in the literature in at least one individual affected with stuttering (example: Kang_2010). A different variant affecting the same residue has been observed in two compound heterozygous individuals in one family (c.1364C>T, p.A455V and IVS13+1G>A) affected with Mucolipidosis and the variant segregated with disease (Yu_2019), suggesting that it is a clinically significant residue. In addition, Han_2019 showed this variant produces vocalization deficit in 8-day-old pup isolation calls and does not affect other nonvocal behaviors in mouse model. One clinical diagnostic laboratory has submitted clinical-significance assessments for this variant to ClinVar after 2014 and classified the variant as uncertain significance. Based on the evidence outlined above, the variant was classified as uncertain significance.

Counsyl
Classification: Uncertain significance for Mucolipidosis type II; Pseudo-Hurler polydystrophy. Last evaluated: 2017-03-20. Review status: no assertion criteria provided. Collection method: clinical testing. Allele origin: unknown. Not counted in ClinVar's aggregate classification.

Literature cited by the submitters: PubMed 26130485 (cited by Women's Health and Genetics/Laboratory Corporation of America, LabCorp); PubMed 29140481 (cited by Women's Health and Genetics/Laboratory Corporation of America, LabCorp); PubMed 31934135 (cited by Women's Health and Genetics/Laboratory Corporation of America, LabCorp); PubMed 31003007 (cited by Women's Health and Genetics/Laboratory Corporation of America, LabCorp); PubMed 24807205 (cited by Women's Health and Genetics/Laboratory Corporation of America, LabCorp); PubMed 31405983 (cited by Women's Health and Genetics/Laboratory Corporation of America, LabCorp); PubMed 20147709 (cited by Women's Health and Genetics/Laboratory Corporation of America, LabCorp and Counsyl).

NM_024312.5(GNPTAB):c.1363G>T (p.Ala455Ser)

Gene: GNPTAB (N-acetylglucosamine-1-phosphate transferase subunits alpha and beta; minus strand). Cytogenetic location: 12q23.2.
Variant type: single nucleotide variant.
Coding change: c.1363G>T on transcript NM_024312.5 (MANE Select); coding-DNA position 1363, G replaced by T.
Protein change: p.Ala455Ser; replaces alanine 455 with serine.
Molecular consequence: missense variant.
Genome position (GRCh38, 1-based): chr12:101,768,082, C>A on the plus strand (G>T on the coding strand, the complement: GNPTAB is on the minus strand). VCF-style: chr12-101768082-C-A. GRCh37 (hg19) VCF-style: chr12-102161860-C-A.
Other names: short protein forms A455S.
Identifiers: ClinVar variation 551181 (VCV000551181.5), dbSNP rs137853822, ClinGen allele CA6746648.
Genomic context (GRCh38, chr12:101,768,082, plus strand): 5'-TTAACACATCCTTACCAGAGCAATCCCCACCATCCCAATCGCAGGCTGAATTATTACAAG[C>A]CTTGTCACAATAGCCATCCTTAATCCAGGAACCTGGGCAGCCCTCGGCACAGTTTGGCAC-3'
Protein context (NP_077288.2, residues 445-465): SWIKDGYCDK[Ala455Ser]CNNSACDWDG